The following is an entry in ClinVar:

ClinVar aggregate classification (germline): Uncertain significance (1 of 4 stars; one submission).

Conditions:
Familial sleep-related hypermotor epilepsy. Also called: Autosomal Dominant Sleep-Related Hypermotor (Hyperkinetic) Epilepsy. Identifiers: Orphanet 98784, MedGen C3696898, MONDO:0000030.

Allele frequency attached by ClinVar (database versions not stated): gnomAD exomes below 0.00001.
gnomAD v4.1: 1 of 1,600,928 alleles (0.000062%); highest among the groups gnomAD compares: Non-Finnish European, 0.000085%; no homozygotes.

Submission:

Labcorp Genetics (formerly Invitae), Labcorp
Classification: Uncertain significance. Last evaluated: 2022-07-05. Review status: criteria provided, single submitter. Criteria: Invitae Variant Classification Sherloc (09022015). Collection method: clinical testing. Allele origin: germline.
Comment: ClinVar contains an entry for this variant (Variation ID: 1347571). In summary, the available evidence is currently insufficient to determine the role of this variant in disease. Therefore, it has been classified as a Variant of Uncertain Significance. Algorithms developed to predict the effect of missense changes on protein structure and function (SIFT, PolyPhen-2, Align-GVGD) all suggest that this variant is likely to be tolerated. This variant has not been reported in the literature in individuals affected with CHRNA4-related conditions. The frequency data for this variant in the population databases is considered unreliable, as metrics indicate poor data quality at this position in the gnomAD database. This sequence change replaces proline, which is neutral and non-polar, with leucine, which is neutral and non-polar, at codon 404 of the CHRNA4 protein (p.Pro404Leu).

NM_000744.7(CHRNA4):c.1211C>T (p.Pro404Leu)

Gene: CHRNA4 (cholinergic receptor nicotinic alpha 4 subunit; minus strand). Cytogenetic location: 20q13.33.
Variant type: single nucleotide variant.
Coding change: c.1211C>T on transcript NM_000744.7 (MANE Select); coding-DNA position 1211, C replaced by T.
Protein change: p.Pro404Leu; replaces proline 404 with leucine.
Molecular consequence: missense variant. On other transcripts: non-coding transcript variant (1).
Genome position (GRCh38, 1-based): chr20:63,350,200, G>A on the plus strand (C>T on the coding strand, the complement: CHRNA4 is on the minus strand). VCF-style: chr20-63350200-G-A. GRCh37 (hg19) VCF-style: chr20-61981552-G-A.
Other names: c.683C>T, p.Pro228Leu (NM_001256573.2); short protein forms P228L, P404L.
Identifiers: ClinVar variation 1347571 (VCV001347571.6), dbSNP rs1435870435, ClinGen allele CA409634087.